The following is an entry in ClinVar:

NC_000013.11:g.32332592_32332595delinsCATT

Gene: BRCA2 (BRCA2 DNA repair associated; plus strand). Cytogenetic location: 13q13.1.
Variant type: Indel.
Genome position: GRCh38 VCF-style: chr13-32332592-AATC-CATT. GRCh37 (hg19) VCF-style: chr13-32906729-AATC-CATT.
Other names: c.1114_1117delinsCATT, p.Asn372_Gln373delinsHisTer (LRG_293t1).
Identifiers: ClinVar variation 252439 (VCV000252439.3), dbSNP rs879255323, ClinGen allele CA10585927.

ClinVar aggregate classification (germline): Pathogenic (1 of 4 stars; one submission).

Conditions:
Familial cancer of breast. Also called: BREAST CANCER, FAMILIAL; Hereditary breast cancer; hereditary breast carcinoma. Identifiers: Orphanet 227535, MedGen C0346153, MONDO:0016419, OMIM 114480. Disease mechanism: loss of function.

Submission:

GeneKor MSA
Classification: Pathogenic for Hereditary Breast Carcinoma. Last evaluated: 2020-01-01. Review status: criteria provided, single submitter. Criteria: ACMG Guidelines, 2015. Collection method: clinical testing. Allele origin: germline. Affected: yes.
Comment: This variant is a single amino acid change from Glutamine to a Termination codon at amino acid residue 373 of the BRCA2 gene. It results in a truncated non-functional protein. Truncating variants in the BRCA2 gene are known to be pathogenic. The mutation database ClinVar contains entries for this variant (Variation ID: 51065).